The following is an entry in ClinVar:

ClinVar aggregate classification (germline): Pathogenic/Likely pathogenic. Review status: criteria provided, multiple submitters, no conflicts (2 of 4 stars). 5 submissions from 5 submitters: Pathogenic (4); Likely pathogenic (1). Last evaluated 2025-05-06.

Conditions:
Hereditary cancer-predisposing syndrome. Also called: Neoplastic Syndromes, Hereditary; Tumor predisposition; Hereditary Cancer Syndrome; Hereditary neoplastic syndrome. Identifiers: Orphanet 140162, MedGen C0027672, MeSH D009386, MONDO:0015356.
Familial cancer of breast. Also called: BREAST CANCER, FAMILIAL; Hereditary breast cancer; hereditary breast carcinoma. Identifiers: Orphanet 227535, MedGen C0346153, MONDO:0016419, OMIM 114480. Disease mechanism: loss of function.

Submissions (5):

Labcorp Genetics (formerly Invitae), Labcorp
Classification: Pathogenic for Familial cancer of breast. Last evaluated: 2025-05-06. Review status: criteria provided, single submitter. Criteria: Invitae Variant Classification Sherloc (09022015). Collection method: clinical testing. Allele origin: germline.
Comment: This sequence change creates a premature translational stop signal (p.Gln797*) in the PALB2 gene. It is expected to result in an absent or disrupted protein product. Loss-of-function variants in PALB2 are known to be pathogenic (PMID: 17200668, 17200671, 17200672, 24136930, 25099575). This variant is not present in population databases (gnomAD no frequency). This variant has not been reported in the literature in individuals affected with PALB2-related conditions. ClinVar contains an entry for this variant (Variation ID: 821194). For these reasons, this variant has been classified as Pathogenic.

Ambry Genetics
Classification: Pathogenic for Hereditary cancer-predisposing syndrome. Last evaluated: 2025-01-16. Review status: criteria provided, single submitter. Criteria: Ambry Variant Classification Scheme 2023. Collection method: clinical testing. Allele origin: germline.
Comment: The p.Q797* pathogenic mutation (also known as c.2389C>T), located in coding exon 5 of the PALB2 gene, results from a C to T substitution at nucleotide position 2389. This changes the amino acid from a glutamine to a stop codon within coding exon 5. This variant is considered to be rare based on population cohorts in the Genome Aggregation Database (gnomAD). This alteration is expected to result in loss of function by premature protein truncation or nonsense-mediated mRNA decay. As such, this alteration is interpreted as a disease-causing mutation.

Myriad Genetics, Inc.
Classification: Pathogenic for Familial cancer of breast. Last evaluated: 2023-09-12. Review status: criteria provided, single submitter. Criteria: Myriad Autosomal Dominant, Autosomal Recessive and X-Linked Classification Criteria (2023). Collection method: clinical testing. Allele origin: unknown.
Comment: This variant is considered pathogenic. This variant creates a termination codon and is predicted to result in premature protein truncation.

Color Diagnostics, LLC DBA Color Health
Classification: Pathogenic for Hereditary cancer-predisposing syndrome. Last evaluated: 2023-08-30. Review status: criteria provided, single submitter. Criteria: ACMG Guidelines, 2015. Collection method: clinical testing. Allele origin: germline.
Comment: This variant changes 1 nucleotide in exon 5 of the PALB2 gene, creating a premature translation stop signal. This variant is expected to result in an absent or non-functional protein product. To our knowledge, this variant has not been reported in individuals affected with PALB2-related disorders in the literature. This variant has not been identified in the general population by the Genome Aggregation Database (gnomAD). Loss of PALB2 function is a known mechanism of disease. Based on the available evidence, this variant is classified as Pathogenic.

Baylor Genetics
Classification: Likely pathogenic for Familial cancer of breast. Last evaluated: 2022-06-07. Review status: criteria provided, single submitter. Criteria: ACMG Guidelines, 2015. Collection method: clinical testing. Allele origin: unknown.

Literature cited by the submitters: PubMed 17200668 (cited by Labcorp Genetics (formerly Invitae), Labcorp); PubMed 17200671 (cited by Labcorp Genetics (formerly Invitae), Labcorp); PubMed 17200672 (cited by Labcorp Genetics (formerly Invitae), Labcorp); PubMed 24136930 (cited by Labcorp Genetics (formerly Invitae), Labcorp); PubMed 25099575 (cited by Labcorp Genetics (formerly Invitae), Labcorp).

NM_024675.4(PALB2):c.2389C>T (p.Gln797Ter)

Gene: PALB2 (partner and localizer of BRCA2; minus strand). Cytogenetic location: 16p12.2.
Variant type: single nucleotide variant.
Coding change: c.2389C>T on transcript NM_024675.4 (MANE Select); coding-DNA position 2389, C replaced by T.
Protein change: p.Gln797Ter; replaces glutamine 797 with a stop codon.
Molecular consequence: nonsense.
Genome position (GRCh38, 1-based): chr16:23,629,765, G>A on the plus strand (C>T on the coding strand, the complement: PALB2 is on the minus strand). VCF-style: chr16-23629765-G-A. GRCh37 (hg19) VCF-style: chr16-23641086-G-A.
Other names: short protein forms Q797*.
Identifiers: ClinVar variation 821194 (VCV000821194.14), dbSNP rs1060502768, ClinGen allele CA395124573.